The following is an entry in ClinVar:

ClinVar aggregate classification (germline): Uncertain significance (1 of 4 stars; one submission).

gnomAD v4.1: 1 of 1,611,664 alleles (0.000062%); highest among the groups gnomAD compares: Non-Finnish European, 0.000085%; no homozygotes.

Submission:

Ambry Genetics
Classification: Uncertain significance. Last evaluated: 2026-05-17. Review status: criteria provided, single submitter. Criteria: Ambry Variant Classification Scheme 2023. Collection method: clinical testing. Allele origin: germline.
Comment: The p.K740T variant (also known as c.2219A>C), located in coding exon 22 of the NEBL gene, results from an A to C substitution at nucleotide position 2219. The lysine at codon 740 is replaced by threonine, an amino acid with similar properties. This amino acid position is conserved. In addition, this alteration is predicted to be tolerated by in silico analysis. Based on the available evidence, the clinical significance of this variant remains unclear.

NM_006393.3(NEBL):c.2219A>C (p.Lys740Thr)

Gene: NEBL (nebulette; minus strand). Cytogenetic location: 10p12.31.
Variant type: single nucleotide variant.
Coding change: c.2219A>C on transcript NM_006393.3 (MANE Select); coding-DNA position 2219, A replaced by C.
Protein change: p.Lys740Thr; replaces lysine 740 with threonine.
Molecular consequence: missense variant. On other transcripts: intron variant (9).
Genome position (GRCh38, 1-based): chr10:20,815,647, T>G on the plus strand (A>C on the coding strand, the complement: NEBL is on the minus strand). VCF-style: chr10-20815647-T-G. GRCh37 (hg19) VCF-style: chr10-21104576-T-G.
Other names: c.250-2707A>C (NM_001377326.1, NM_001377327.1, NM_001377328.1); c.358-2707A>C (NM_213569.2, NM_001173484.2, NM_001377322.1); c.301-2707A>C (NM_001377324.1); c.292-2707A>C (NM_001377325.1); c.310-2707A>C (NM_001377323.1); short protein forms K740T.
Identifiers: ClinVar variation 4860800 (VCV004860800.1).